The following is an entry in ClinVar:

ClinVar aggregate classification (germline): Likely benign. Review status: criteria provided, multiple submitters, no conflicts (2 of 4 stars). 2 submissions from 2 submitters: Likely benign (2). Last evaluated 2018-06-16.

Allele frequency attached by ClinVar (database versions not stated): gnomAD exomes 0.00586; gnomAD 0.01241 and 0.01281; TOPMed 0.01333; 1000 Genomes Project 0.01677; 1000 Genomes Project 30x 0.01749.
gnomAD v4.1: 10,504 of 1,609,530 alleles (0.65%); highest among the groups gnomAD compares: East Asian, 3.1%; 98 homozygotes.

Submissions (7):

GeneDx
Classification: Likely benign. Last evaluated: 2018-06-16. Review status: criteria provided, single submitter. Criteria: GeneDx Variant Classification (06012015). Collection method: clinical testing. Allele origin: germline. Affected: yes.
Comment: This variant is considered likely benign or benign based on one or more of the following criteria: it is a conservative change, it occurs at a poorly conserved position in the protein, it is predicted to be benign by multiple in silico algorithms, and/or has population frequency not consistent with disease.

Breakthrough Genomics
Classification: Likely benign. Review status: criteria provided, single submitter. Criteria: ACMG Guidelines, 2015. Collection method: not provided. Allele origin: germline. Inheritance: Autosomal recessive inheritance. Affected: yes.

Dr. Peter K. Rogan Lab, Western University
No classification provided (evidence only). Condition: Acute myeloid leukemia. Review status: no classification provided. Collection method: in vitro. Allele origin: not applicable. Functional consequence: retained intron. Not counted in ClinVar's aggregate classification.

Dr. Peter K. Rogan Lab, Western University
No classification provided (evidence only). Condition: Cervical cancer. Review status: no classification provided. Collection method: in vitro. Allele origin: not applicable. Functional consequence: retained intron. Not counted in ClinVar's aggregate classification.

Dr. Peter K. Rogan Lab, Western University
No classification provided (evidence only). Condition: Cervical cancer. Review status: no classification provided. Collection method: in vitro. Allele origin: not applicable. Functional consequence: retained intron. Not counted in ClinVar's aggregate classification.

Dr. Peter K. Rogan Lab, Western University
No classification provided (evidence only). Condition: Ovarian serous cystadenocarcinoma. Review status: no classification provided. Collection method: in vitro. Allele origin: not applicable. Functional consequence: retained intron. Not counted in ClinVar's aggregate classification.

Dr. Peter K. Rogan Lab, Western University
No classification provided (evidence only). Condition: Malignant tumor of esophagus. Review status: no classification provided. Collection method: in vitro. Allele origin: not applicable. Functional consequence: retained intron. Not counted in ClinVar's aggregate classification.

NM_001130987.2(DYSF):c.4755+58A>G

Gene: DYSF (dysferlin; plus strand). Cytogenetic location: 2p13.2.
Variant type: single nucleotide variant.
Coding change: c.4755+58A>G on transcript NM_001130987.2 (MANE Select); 58 bases into the intron after coding-DNA position 4755, A replaced by G.
Molecular consequence: intron variant.
Genome position (GRCh38, 1-based): chr2:71,656,348, A>G. VCF-style: chr2-71656348-A-G. GRCh37 (hg19) VCF-style: chr2-71883478-A-G.
Other names: NC_000002.11:g.71883478A>G; c.4731+58A>G (NM_001130979.2); c.4752+58A>G (NM_001130981.2); c.4689+58A>G (NM_001130980.2); c.4701+58A>G (NM_001130978.2); c.4638+58A>G (NM_003494.4); c.4659+58A>G (NM_001130977.2); c.4596+58A>G (NM_001130976.2); and 6 more.
Identifiers: ClinVar variation 677479 (VCV000677479.3), dbSNP rs75563048, ClinGen allele CA49760362.